The following is an entry in ClinVar:

NM_177438.3(DICER1):c.3442C>G (p.Gln1148Glu)

Gene: DICER1 (dicer 1, ribonuclease III; minus strand). Cytogenetic location: 14q32.13.
Variant type: single nucleotide variant.
Coding change: c.3442C>G on transcript NM_177438.3 (MANE Select); coding-DNA position 3442, C replaced by G.
Protein change: p.Gln1148Glu; replaces glutamine 1148 with glutamic acid.
Molecular consequence: missense variant. On other transcripts: non-coding transcript variant (6).
Genome position (GRCh38, 1-based): chr14:95,103,954, G>C on the plus strand (C>G on the coding strand, the complement: DICER1 is on the minus strand). VCF-style: chr14-95103954-G-C. GRCh37 (hg19) VCF-style: chr14-95570291-G-C.
Other names: c.3442C>G, p.Gln1148Glu (NM_001195573.1, NM_001271282.3, NM_001291628.2 and 12 more transcripts); c.3160C>G, p.Gln1054Glu (NM_001395686.1); c.3037C>G, p.Gln1013Glu (NM_001395687.1, NM_001395688.1, NM_001395689.1 and 2 more transcripts); c.2875C>G, p.Gln959Glu (NM_001395691.1); c.1759C>G, p.Gln587Glu (NM_001395697.1); short protein forms Q587E, Q1013E, Q1054E, Q1148E, Q959E.
Identifiers: ClinVar variation 3720198 (VCV003720198.2).

ClinVar aggregate classification (germline): Uncertain significance (1 of 4 stars; one submission).

Conditions:
DICER1-related tumor predisposition. Also called: DICER1 syndrome; DICER1-related pleuropulmonary blastoma cancer predisposition syndrome. Identifiers: Orphanet 284343, MedGen C3839822, MONDO:0100216.

Submission:

Labcorp Genetics (formerly Invitae), Labcorp
Classification: Uncertain significance for DICER1-related tumor predisposition. Last evaluated: 2025-01-23. Review status: criteria provided, single submitter. Criteria: Invitae Variant Classification Sherloc (09022015). Collection method: clinical testing. Allele origin: germline.
Comment: This sequence change replaces glutamine, which is neutral and polar, with glutamic acid, which is acidic and polar, at codon 1148 of the DICER1 protein (p.Gln1148Glu). This variant is not present in population databases (gnomAD no frequency). This variant has not been reported in the literature in individuals affected with DICER1-related conditions. Invitae Evidence Modeling of protein sequence and biophysical properties (such as structural, functional, and spatial information, amino acid conservation, physicochemical variation, residue mobility, and thermodynamic stability) indicates that this missense variant is not expected to disrupt DICER1 protein function with a negative predictive value of 95%. In summary, the available evidence is currently insufficient to determine the role of this variant in disease. Therefore, it has been classified as a Variant of Uncertain Significance.